The following is an entry in ClinVar:

ClinVar aggregate classification (germline): Likely benign (1 of 4 stars; one submission).

gnomAD v4.1: 1 of 1,599,182 alleles (0.000063%); highest among the groups gnomAD compares: Admixed American, 0.0018%; no homozygotes.

Submission:

CeGaT Center for Human Genetics Tuebingen
Classification: Likely benign. Last evaluated: 2026-07-01. Review status: criteria provided, single submitter. Criteria: CeGaT Center For Human Genetics Tuebingen Variant Classification Criteria Version 2. Collection method: clinical testing. Allele origin: germline. Affected: yes. Observed: 1 variant allele.
Comment: RRAS2: BP4, BP7

NM_012250.6(RRAS2):c.414A>G (p.Thr138=)

Gene: RRAS2 (RAS related 2; minus strand). Cytogenetic location: 11p15.2.
Variant type: single nucleotide variant.
Coding change: c.414A>G on transcript NM_012250.6 (MANE Select); coding-DNA position 414, A replaced by G.
Protein change: p.Thr138=; no amino-acid change (threonine 138 retained).
Molecular consequence: synonymous variant.
Genome position (GRCh38, 1-based): chr11:14,281,715, T>C on the plus strand (A>G on the coding strand, the complement: RRAS2 is on the minus strand). VCF-style: chr11-14281715-T-C. GRCh37 (hg19) VCF-style: chr11-14303261-T-C.
Other names: c.183A>G, p.Thr61= (NM_001440714.1, NM_001440715.1, NM_001102669.3 and 6 more transcripts); c.309A>G, p.Thr103= (NM_001177314.2); c.414A>G, p.Thr138= (NM_001440708.1).
Identifiers: ClinVar variation 5040509 (VCV005040509.1).